The following is an entry in ClinVar:

NM_013432.5(TONSL):c.1891-1G>C

Genes: TONSL (tonsoku like, DNA repair protein; minus strand), TONSL-AS1 (TONSL antisense RNA 1; plus strand). Cytogenetic location: 8q24.3.
Variant type: single nucleotide variant.
Coding change: c.1891-1G>C on transcript NM_013432.5 (MANE Select); the canonical splice acceptor site of the intron before coding-DNA position 1891, G replaced by C.
Molecular consequence: splice acceptor variant.
Genome position (GRCh38, 1-based): chr8:144,436,682, C>G on the plus strand (G>C on the coding strand, the complement: TONSL is on the minus strand). VCF-style: chr8-144436682-C-G. GRCh37 (hg19) VCF-style: chr8-145662065-C-G.
Identifiers: ClinVar variation 1511117 (VCV001511117.9), dbSNP rs139159346, ClinGen allele CA4943002.
Genomic context (GRCh38, chr8:144,436,682, plus strand): 5'-GTCCAGGTCCCTGCGGTACAGCTTCACCCACTGCTGCAGCGTCTCCAGCGGGCTGAGGCC[C>G]TGTGTGGCATCAGTTGAGCAGGGGCACAGCAGCCCCCATAACCTCGCCCTTGCCCTCTGC-3'

ClinVar aggregate classification (germline): Pathogenic/Likely pathogenic. Review status: criteria provided, multiple submitters, no conflicts (2 of 4 stars). 2 submissions from 2 submitters: Pathogenic (1); Likely pathogenic (1). Last evaluated 2026-01-12.

Conditions:
Sponastrime dysplasia. Also called: SPONDYLAR AND NASAL ALTERATIONS WITH STRIATED METAPHYSES. Identifiers: Orphanet 93357, MedGen C1300260, MONDO:0010068, OMIM 271510.

Allele frequency attached by ClinVar (database versions not stated): gnomAD exomes 0.00006 and 0.00008; TOPMed 0.00004; gnomAD 0.00002; ExAC 0.00014; ESP Exome Variant Server 0.00015.
gnomAD v4.1: 95 of 1,611,922 alleles (0.0059%); highest among the groups gnomAD compares: Non-Finnish European, 0.0078%; no homozygotes.

Submissions (2):

Labcorp Genetics (formerly Invitae), Labcorp
Classification: Likely pathogenic. Last evaluated: 2026-01-12. Review status: criteria provided, single submitter. Criteria: Invitae Variant Classification Sherloc (09022015). Collection method: clinical testing. Allele origin: germline.
Comment: This sequence change affects an acceptor splice site in intron 15 of the TONSL gene. It is expected to disrupt RNA splicing. Variants that disrupt the donor or acceptor splice site typically lead to a loss of protein function (PMID: 16199547), and loss-of-function variants in TONSL are known to be pathogenic (PMID: 30773277). This variant is present in population databases (rs139159346, gnomAD 0.02%). This variant has not been reported in the literature in individuals affected with TONSL-related conditions. ClinVar contains an entry for this variant (Variation ID: 1511117). Algorithms developed to predict the effect of sequence changes on RNA splicing suggest that this variant may disrupt the consensus splice site. In summary, the currently available evidence indicates that the variant is pathogenic, but additional data are needed to prove that conclusively. Therefore, this variant has been classified as Likely Pathogenic.

3billion
Classification: Pathogenic for Sponastrime dysplasia. Last evaluated: 2025-07-21. Review status: criteria provided, single submitter. Criteria: ACMG Guidelines, 2015. Collection method: clinical testing. Allele origin: germline. Affected: yes.
Comment: The variant is observed at an extremely low frequency in the gnomAD v4.1.0 dataset (total allele frequency: 0.006%). Predicted Consequence/Location: Canonical splice site: predicted to alter splicing and result in a loss or disruption of normal protein function. Multiple pathogenic loss-of-function variants are reported downstream of the variant. In silico tools predict the variant to alter splicing and produce an abnormal transcript [SpliceAI: 0.99 (spliceogenicity >=0.2, non-spliceogenicity <0.1)]. The variant has been reported to be associated with TONSL-related disorder (ClinVar ID: VCV001511117). Therefore, this variant is classified as Pathogenic according to the recommendation of ACMG/AMP guideline.

Literature cited by the submitters: PubMed 16199547 (cited by Labcorp Genetics (formerly Invitae), Labcorp); PubMed 30773277 (cited by Labcorp Genetics (formerly Invitae), Labcorp).